The following is an entry in ClinVar:

NM_004482.4(GALNT3):c.*281T>A

Gene: GALNT3 (polypeptide N-acetylgalactosaminyltransferase 3; minus strand). Cytogenetic location: 2q24.3.
Variant type: single nucleotide variant.
Coding change: c.*281T>A on transcript NM_004482.4 (MANE Select); 281 bases downstream of the stop codon, T replaced by A.
Molecular consequence: 3 prime UTR variant.
Genome position (GRCh38, 1-based): chr2:165,748,500, A>T on the plus strand (T>A on the coding strand, the complement: GALNT3 is on the minus strand). VCF-style: chr2-165748500-A-T. GRCh37 (hg19) VCF-style: chr2-166605010-A-T.
Identifiers: ClinVar variation 331778 (VCV000331778.7), dbSNP rs13429321, ClinGen allele CA10611126.
Genomic context (GRCh38, chr2:165,748,500, plus strand): 5'-ATTGTGAGTGTGTGAATGTAGCTATATATATATATCCCTAAGTGTACAAAACACACAAAC[A>T]TCACTTTACTTGGAAAATTATTTTCATCATACTGTAAACATCTCTTCCCCTACATCTGGA-3'

ClinVar aggregate classification (germline): Benign. Review status: criteria provided, multiple submitters, no conflicts (2 of 4 stars). 3 submissions from 3 submitters: Benign (3). Last evaluated 2018-09-05.

Conditions:
Tumoral calcinosis, hyperphosphatemic, familial, 1. Also called: LIPOCALCINOGRANULOMATOSIS; MORBUS TEUTSCHLAENDER; TEUTSCHLAENDER DISEASE, FAMILIAL; TUMORAL CALCINOSIS, PRIMARY HYPERPHOSPHATEMIC; CALCINOSIS, TUMORAL, WITH HYPERPHOSPHATEMIA; HYPEROSTOSIS WITH HYPERPHOSPHATEMIA. Identifiers: Orphanet 53715, MedGen C4692564, MONDO:0100252, OMIM 211900.

Allele frequency attached by ClinVar (database versions not stated): 1000 Genomes Project 0.32528; 1000 Genomes Project 30x 0.32558; TOPMed 0.36917; gnomAD 0.39003 and 0.39072; gnomAD exomes 0.44321.
gnomAD v4.1: 186,263 of 437,994 alleles (43%); highest among the groups gnomAD compares: Non-Finnish European, 49%; 42,334 homozygotes.

Submissions (3):

GeneDx
Classification: Benign. Last evaluated: 2018-09-05. Review status: criteria provided, single submitter. Criteria: GeneDx Variant Classification Process June 2021. Collection method: clinical testing. Allele origin: germline. Affected: yes.

Illumina Laboratory Services, Illumina
Classification: Benign for Tumoral calcinosis, hyperphosphatemic, familial, 1. Last evaluated: 2018-01-13. Review status: criteria provided, single submitter. Criteria: ICSL Variant Classification Criteria 13 December 2019. Collection method: clinical testing. Allele origin: germline.
Comment: This variant was observed in the ICSL laboratory as part of a predisposition screen in an ostensibly healthy population. It had not been previously curated by ICSL or reported in the Human Gene Mutation Database (HGMD: prior to June 1st, 2018), and was therefore a candidate for classification through an automated scoring system. Utilizing variant allele frequency, disease prevalence and penetrance estimates, and inheritance mode, an automated score was calculated to assess if this variant is too frequent to cause the disease. Based on the score and internal cut-off values, a variant classified as benign is not then subjected to further curation. The score for this variant resulted in a classification of benign for this disease.

Breakthrough Genomics
Classification: Benign. Review status: criteria provided, single submitter. Criteria: ACMG Guidelines, 2015. Collection method: not provided. Allele origin: germline. Inheritance: Autosomal recessive inheritance. Affected: yes.